The following is an entry in ClinVar:

NM_033026.6(PCLO):c.13000T>G (p.Ser4334Ala)

Gene: PCLO (piccolo presynaptic cytomatrix protein; minus strand). Cytogenetic location: 7q21.11.
Variant type: single nucleotide variant.
Coding change: c.13000T>G on transcript NM_033026.6 (MANE Select); coding-DNA position 13000, T replaced by G.
Protein change: p.Ser4334Ala; replaces serine 4334 with alanine.
Molecular consequence: missense variant.
Genome position (GRCh38, 1-based): chr7:82,914,986, A>C on the plus strand (T>G on the coding strand, the complement: PCLO is on the minus strand). VCF-style: chr7-82914986-A-C. GRCh37 (hg19) VCF-style: chr7-82544302-A-C.
Other names: c.13000T>G, p.Ser4334Ala (NM_014510.3); short protein forms S4334A.
Identifiers: ClinVar variation 3061109 (VCV003061109.2), dbSNP rs370857469, ClinGen allele CA4319271.

ClinVar aggregate classification (germline): Uncertain significance (0 of 4 stars; one submission).

Conditions:
PCLO-related disorder. Also called: PCLO-related condition.

Allele frequency attached by ClinVar (database versions not stated): gnomAD exomes below 0.00001; ExAC 0.00002; TOPMed 0.00002; gnomAD 0.00003; ESP Exome Variant Server 0.00008.
gnomAD v4.1: 6 of 1,613,598 alleles (0.00037%); highest among the groups gnomAD compares: African/African-American, 0.008%; no homozygotes.

Submission:

PreventionGenetics, part of Exact Sciences
Classification: Uncertain significance for PCLO-related condition. Last evaluated: 2024-02-15. Review status: no assertion criteria provided. Collection method: clinical testing. Allele origin: germline.
Comment: The PCLO c.13000T>G variant is predicted to result in the amino acid substitution p.Ser4334Ala. To our knowledge, this variant has not been reported in the literature. This variant is reported in 0.012% of alleles in individuals of African descent in gnomAD. At this time, the clinical significance of this variant is uncertain due to the absence of conclusive functional and genetic evidence.